The following is an entry in ClinVar:

ClinVar aggregate classification (germline): Uncertain significance. Review status: criteria provided, multiple submitters, no conflicts (2 of 4 stars). 2 submissions from 2 submitters: Uncertain significance (2). Last evaluated 2025-02-18.

Conditions:
Hereditary cancer-predisposing syndrome. Also called: Neoplastic Syndromes, Hereditary; Hereditary Cancer Syndrome; Hereditary neoplastic syndrome; Tumor predisposition. Identifiers: Orphanet 140162, MedGen C0027672, MeSH D009386, MONDO:0015356.
Hereditary diffuse gastric adenocarcinoma (HDGC). Also called: DIFFUSE GASTRIC AND LOBULAR BREAST CANCER SYNDROME. Identifiers: Orphanet 26106, MedGen C1708349, MONDO:0007648, OMIM 137215.

Submissions (2):

Labcorp Genetics (formerly Invitae), Labcorp
Classification: Uncertain significance for Hereditary diffuse gastric adenocarcinoma. Last evaluated: 2025-02-18. Review status: criteria provided, single submitter. Criteria: Invitae Variant Classification Sherloc (09022015). Collection method: clinical testing. Allele origin: germline.
Comment: This sequence change replaces proline, which is neutral and non-polar, with alanine, which is neutral and non-polar, at codon 164 of the CDH1 protein (p.Pro164Ala). This variant is not present in population databases (gnomAD no frequency). This variant has not been reported in the literature in individuals affected with CDH1-related conditions. ClinVar contains an entry for this variant (Variation ID: 825281). An algorithm developed to predict the effect of missense changes on protein structure and function (PolyPhen-2) suggests that this variant is likely to be tolerated. In summary, the available evidence is currently insufficient to determine the role of this variant in disease. Therefore, it has been classified as a Variant of Uncertain Significance.

Ambry Genetics
Classification: Uncertain significance for Hereditary cancer-predisposing syndrome. Last evaluated: 2019-07-31. Review status: criteria provided, single submitter. Criteria: Ambry Variant Classification Scheme 2023. Collection method: clinical testing. Allele origin: germline.
Comment: The p.P164A variant (also known as c.490C>G), located in coding exon 4 of the CDH1 gene, results from a C to G substitution at nucleotide position 490. The proline at codon 164 is replaced by alanine, an amino acid with highly similar properties. This amino acid position is not well conserved in available vertebrate species. In addition, this alteration is predicted to be tolerated by in silico analysis. Since supporting evidence is limited at this time, the clinical significance of this alteration remains unclear.

NM_004360.5(CDH1):c.490C>G (p.Pro164Ala)

Gene: CDH1 (cadherin 1; plus strand). Cytogenetic location: 16q22.1.
Variant type: single nucleotide variant.
Coding change: c.490C>G on transcript NM_004360.5 (MANE Select); coding-DNA position 490, C replaced by G.
Protein change: p.Pro164Ala; replaces proline 164 with alanine.
Molecular consequence: missense variant. On other transcripts: 5 prime UTR variant (2).
Genome position (GRCh38, 1-based): chr16:68,808,526, C>G. VCF-style: chr16-68808526-C-G. GRCh37 (hg19) VCF-style: chr16-68842429-C-G.
Other names: c.490C>G, p.Pro164Ala (NM_001317184.2); c.-1126C>G (NM_001317185.2); c.-1330C>G (NM_001317186.2); short protein forms P164A.
Identifiers: ClinVar variation 825281 (VCV000825281.13), dbSNP rs1597890670, ClinGen allele CA396457731.